The following is an entry in ClinVar:

NM_016580.4(PCDH12):c.3009_3019del (p.Ser1003fs)

Genes: PCDH12 (protocadherin 12; minus strand), RNF14 (ring finger protein 14; plus strand). Cytogenetic location: 5q31.3.
Variant type: Deletion.
Coding change: c.3009_3019del on transcript NM_016580.4 (MANE Select); coding-DNA positions 3009 to 3019, 11 bases deleted (TGCAAGGGCTG).
Protein change: p.Ser1003fs; shifts the reading frame from serine 1003.
Molecular consequence: frameshift variant.
Genome position (GRCh38, 1-based): chr5:141,949,543-141,949,553, CAGCCCTTGCA deleted on the plus strand (TGCAAGGGCTG on the coding strand, the reverse complement: PCDH12 is on the minus strand); deleting any 11 consecutive bases within chr5:141,949,543-141,949,554 gives the same sequence; the c. name uses the placement nearest the transcript's 3' end. VCF-style (leftmost placement, unchanged base first): chr5-141949542-CCAGCCCTTGCA-C. GRCh37 (hg19) VCF-style: chr5-141329107-CCAGCCCTTGCA-C.
Other names: short protein forms S1003fs.
Identifiers: ClinVar variation 1905450 (VCV001905450.7), dbSNP rs2532538096, ClinGen allele CA2580073015.
Genomic context (GRCh38, chr5:141,949,542, plus strand): 5'-ACAGAGAGGTCCTCTTCAGGATCCAAAGGCCCTTCCTCCTGTTCTGGGTCTGTCTGGCCT[CCAGCCCTTGCA>C]CTTGGGCCATCTGTGTCTGGGATTGCACTCCTGCAAAAGAAACCAACCAGTCCATGGGTA-3'

ClinVar aggregate classification (germline): Pathogenic/Likely pathogenic. Review status: criteria provided, multiple submitters, no conflicts (2 of 4 stars). 2 submissions from 2 submitters: Pathogenic (1); Likely pathogenic (1). Last evaluated 2025-10-08.

Submissions (2):

Dasa
Classification: Likely pathogenic. Last evaluated: 2025-10-08. Review status: criteria provided, single submitter. Criteria: DASA Assertion Criteria. Collection method: clinical testing. Allele origin: germline.
Comment: NM_016580.4(PCDH12):c.3009_3019del (p.Ser1003Argfs*16) is a frameshift variant in PCDH12 predicted to alter the reading frame and introduce a premature termination codon and is predicted to result in an absent or altered protein product. Loss of function is an established disease mechanism for PCDH12-associated disorders. Also, this variant is rare in population databases. Based on the currently available evidence, this variant is classified as likely pathogenic.

Labcorp Genetics (formerly Invitae), Labcorp
Classification: Pathogenic. Last evaluated: 2022-01-17. Review status: criteria provided, single submitter. Criteria: Invitae Variant Classification Sherloc (09022015). Collection method: clinical testing. Allele origin: germline.
Comment: For these reasons, this variant has been classified as Pathogenic. This variant has not been reported in the literature in individuals affected with PCDH12-related conditions. This variant is not present in population databases (gnomAD no frequency). This sequence change creates a premature translational stop signal (p.Ser1003Argfs*16) in the PCDH12 gene. It is expected to result in an absent or disrupted protein product. Loss-of-function variants in PCDH12 are known to be pathogenic (PMID: 27164683, 29556033).

Literature cited by the submitters: PubMed 27164683 (cited by Labcorp Genetics (formerly Invitae), Labcorp); PubMed 29556033 (cited by Labcorp Genetics (formerly Invitae), Labcorp).